The following is an entry in ClinVar:

NM_000212.3(ITGB3):c.2296G>C (p.Asp766His)

Genes: EFCAB13-DT (EFCAB13 divergent transcript; minus strand), ITGB3 (integrin subunit beta 3; plus strand). Cytogenetic location: 17q21.32.
Variant type: single nucleotide variant.
Coding change: c.2296G>C on transcript NM_000212.3 (MANE Select); coding-DNA position 2296, G replaced by C.
Protein change: p.Asp766His; replaces aspartic acid 766 with histidine.
Molecular consequence: missense variant.
Genome position (GRCh38, 1-based): chr17:47,307,632, G>C. VCF-style: chr17-47307632-G-C. GRCh37 (hg19) VCF-style: chr17-45384998-G-C.
Other names: short protein forms D766H.
Identifiers: ClinVar variation 4747580 (VCV004747580.1).

ClinVar aggregate classification (germline): Uncertain significance (1 of 4 stars; one submission).

Submission:

Labcorp Genetics (formerly Invitae), Labcorp
Classification: Uncertain significance. Last evaluated: 2025-09-23. Review status: criteria provided, single submitter. Criteria: Invitae Variant Classification Sherloc (09022015). Collection method: clinical testing. Allele origin: germline.
Comment: This sequence change replaces aspartic acid, which is acidic and polar, with histidine, which is basic and polar, at codon 766 of the ITGB3 protein (p.Asp766His). This variant is not present in population databases (gnomAD no frequency). This variant has not been reported in the literature in individuals affected with ITGB3-related conditions. Invitae Evidence Modeling of protein sequence and biophysical properties (such as structural, functional, and spatial information, amino acid conservation, physicochemical variation, residue mobility, and thermodynamic stability) has been performed for this missense variant. However, the output from this modeling did not meet the statistical confidence thresholds required to predict the impact of this variant on ITGB3 protein function. In summary, the available evidence is currently insufficient to determine the role of this variant in disease. Therefore, it has been classified as a Variant of Uncertain Significance.